The following is an entry in ClinVar:

NM_002432.3(MNDA):c.88G>A (p.Ala30Thr)

Gene: MNDA (myeloid cell nuclear differentiation antigen; plus strand). Cytogenetic location: 1q23.1.
Variant type: single nucleotide variant.
Coding change: c.88G>A on transcript NM_002432.3 (MANE Select); coding-DNA position 88, G replaced by A.
Protein change: p.Ala30Thr; replaces alanine 30 with threonine.
Molecular consequence: missense variant.
Genome position (GRCh38, 1-based): chr1:158,842,241, G>A. VCF-style: chr1-158842241-G-A. GRCh37 (hg19) VCF-style: chr1-158812031-G-A.
Other names: short protein forms A30T.
Identifiers: ClinVar variation 1765049 (VCV001765049.2), dbSNP rs2526074739, ClinGen allele CA343036555.
Genomic context (GRCh38, chr1:158,842,241, plus strand): 5'-TTGCTGAAAGGATTTGAGCTCATGGATGATTATCATTTTACATCAATTAAGTCCTTACTG[G>A]CCTATGATTTAGGACTAACTACAAAAATGCAAGAGGAATACAACAGAATTAAGATTACAG-3'
Protein context (NP_002423.1, residues 20-40): YHFTSIKSLL[Ala30Thr]YDLGLTTKMQ

ClinVar aggregate classification (germline): Uncertain significance (1 of 4 stars; one submission).

gnomAD v4.1: 1 of 1,613,778 alleles (0.000062%); highest among the groups gnomAD compares: South Asian, 0.0011%; no homozygotes.

Submission:

Ambry Genetics
Classification: Uncertain significance. Last evaluated: 2021-06-28. Review status: criteria provided, single submitter. Criteria: Ambry Variant Classification Scheme 2023. Collection method: clinical testing. Allele origin: germline.
Comment: The p.A30T variant (also known as c.88G>A), located in coding exon 1 of the MNDA gene, results from a G to A substitution at nucleotide position 88. The alanine at codon 30 is replaced by threonine, an amino acid with similar properties. This amino acid position is conserved. In addition, this alteration is predicted to be tolerated by in silico analysis. Since supporting evidence is limited at this time, the clinical significance of this alteration remains unclear.